The following is an entry in ClinVar:

ClinVar aggregate classification (germline): Conflicting classifications of pathogenicity. Review status: criteria provided, conflicting classifications (1 of 4 stars). 3 submissions from 3 submitters: Uncertain significance (2); Benign (1). Last evaluated 2025-10-30.

Conditions:
ATM-related cancer predisposition. Also called: ATM-related cancer susceptibility. Identifiers: MedGen CN377759, MONDO:0700270.
Ataxia-telangiectasia syndrome (AT). Also called: Ataxia-telangiectasia, complementation group E; Ataxia telangiectasia (A-T); Ataxia-telangiectasia, complementation group D; AT, COMPLEMENTATION GROUP C; ATAXIA-TELANGIECTASIA, COMPLEMENTATION GROUP A; ATAXIA-TELANGIECTASIA, FRESNO VARIANT. Identifiers: Orphanet 100, MedGen C0004135, MONDO:0008840, OMIM 208900.
Hereditary cancer-predisposing syndrome. Also called: Neoplastic Syndromes, Hereditary; Hereditary Cancer Syndrome; Hereditary neoplastic syndrome; Tumor predisposition. Identifiers: Orphanet 140162, MedGen C0027672, MeSH D009386, MONDO:0015356.

Allele frequency attached by ClinVar (database versions not stated): gnomAD exomes below 0.00001; ExAC 0.00001.
gnomAD v4.1: 1 of 1,613,806 alleles (0.000062%); highest among the groups gnomAD compares: South Asian, 0.0011%; no homozygotes.

Submissions (3):

Ambry Genetics
Classification: Benign for Hereditary cancer-predisposing syndrome. Last evaluated: 2025-10-30. Review status: criteria provided, single submitter. Criteria: Ambry Variant Classification Scheme 2023. Collection method: clinical testing. Allele origin: germline.

Labcorp Genetics (formerly Invitae), Labcorp
Classification: Uncertain significance for Ataxia-telangiectasia syndrome. Last evaluated: 2025-04-28. Review status: criteria provided, single submitter. Criteria: Invitae Variant Classification Sherloc (09022015). Collection method: clinical testing. Allele origin: germline.
Comment: This sequence change replaces isoleucine, which is neutral and non-polar, with valine, which is neutral and non-polar, at codon 232 of the ATM protein (p.Ile232Val). This variant is present in population databases (rs767739747, gnomAD 0.003%). This variant has not been reported in the literature in individuals affected with ATM-related conditions. ClinVar contains an entry for this variant (Variation ID: 1425295). Invitae Evidence Modeling of protein sequence and biophysical properties (such as structural, functional, and spatial information, amino acid conservation, physicochemical variation, residue mobility, and thermodynamic stability) indicates that this missense variant is not expected to disrupt ATM protein function with a negative predictive value of 95%. In summary, the available evidence is currently insufficient to determine the role of this variant in disease. Therefore, it has been classified as a Variant of Uncertain Significance.

Department of Pathology and Laboratory Medicine, Sinai Health System
Classification: Uncertain significance for ATM-related cancer predisposition. Last evaluated: 2021-08-03. Review status: criteria provided, single submitter. Criteria: ACMG Guidelines, 2015. Collection method: clinical testing. Allele origin: germline. Affected: yes.

Literature cited by the submitters: PubMed 40580951 (cited by Ambry Genetics).

NM_000051.4(ATM):c.694A>G (p.Ile232Val)

Gene: ATM (ATM serine/threonine kinase; plus strand). Cytogenetic location: 11q22.3.
Variant type: single nucleotide variant.
Coding change: c.694A>G on transcript NM_000051.4 (MANE Select); coding-DNA position 694, A replaced by G.
Protein change: p.Ile232Val; replaces isoleucine 232 with valine.
Molecular consequence: missense variant.
Genome position (GRCh38, 1-based): chr11:108,244,819, A>G. VCF-style: chr11-108244819-A-G. GRCh37 (hg19) VCF-style: chr11-108115546-A-G.
Other names: c.694A>G, p.Ile232Val (NM_001351834.2); c.694A>G (NM_000051.3); short protein forms I232V.
Identifiers: ClinVar variation 1425295 (VCV001425295.6), dbSNP rs767739747, ClinGen allele CA6264670.